The following is an entry in ClinVar:

ClinVar aggregate classification (germline): Pathogenic (1 of 4 stars; one submission).

Conditions:
Hereditary hemorrhagic telangiectasia (HHT). Also called: ORW DISEASE; Osler Weber Rendu syndrome; OSLER-RENDU-WEBER DISEASE; Osler hemorrhagic telangiectasia syndrome. Identifiers: Orphanet 774, MedGen C0039445, MONDO:0019180. Disease mechanism: loss of function.

Submission:

Labcorp Genetics (formerly Invitae), Labcorp
Classification: Pathogenic for Hereditary hemorrhagic telangiectasia. Last evaluated: 2023-07-17. Review status: criteria provided, single submitter. Criteria: Invitae Variant Classification Sherloc (09022015). Collection method: clinical testing. Allele origin: germline.
Comment: ClinVar contains an entry for this variant (Variation ID: 861106). This missense change has been observed in individual(s) with hereditary hemorrhagic telangiectasia (Invitae). It has also been observed to segregate with disease in related individuals. This variant is not present in population databases (gnomAD no frequency). This sequence change replaces methionine, which is neutral and non-polar, with lysine, which is basic and polar, at codon 414 of the ENG protein (p.Met414Lys). Advanced modeling of protein sequence and biophysical properties (such as structural, functional, and spatial information, amino acid conservation, physicochemical variation, residue mobility, and thermodynamic stability) performed at Invitae indicates that this missense variant is expected to disrupt ENG protein function. For these reasons, this variant has been classified as Pathogenic.

NM_001114753.3(ENG):c.1241T>A (p.Met414Lys)

Genes: ENG (endoglin; minus strand), LOC102723566 (uncharacterized LOC102723566; plus strand). Cytogenetic location: 9q34.11.
Variant type: single nucleotide variant.
Coding change: c.1241T>A on transcript NM_001114753.3 (MANE Select); coding-DNA position 1241, T replaced by A.
Protein change: p.Met414Lys; replaces methionine 414 with lysine.
Molecular consequence: missense variant.
Genome position (GRCh38, 1-based): chr9:127,819,931, A>T on the plus strand (T>A on the coding strand, the complement: ENG is on the minus strand). VCF-style: chr9-127819931-A-T. GRCh37 (hg19) VCF-style: chr9-130582210-A-T.
Other names: c.1241T>A, p.Met414Lys (NM_000118.4); c.695T>A, p.Met232Lys (NM_001278138.2); short protein forms M414K, M232K.
Identifiers: ClinVar variation 861106 (VCV000861106.9), dbSNP rs1830432509, ClinGen allele CA374978379.